The following is an entry in ClinVar:

ClinVar aggregate classification (germline): Conflicting classifications of pathogenicity. Review status: criteria provided, conflicting classifications (1 of 4 stars). 3 submissions from 3 submitters: Uncertain significance (2); Benign (1). Last evaluated 2025-11-18.

Conditions:
Hereditary cancer-predisposing syndrome. Also called: Neoplastic Syndromes, Hereditary; Tumor predisposition; Hereditary neoplastic syndrome; Hereditary Cancer Syndrome. Identifiers: Orphanet 140162, MedGen C0027672, MeSH D009386, MONDO:0015356.
Gorlin syndrome. Also called: Basal cell nevus syndrome; Nevoid Basal Cell Carcinoma Syndrome. Identifiers: Orphanet 377, MedGen C0004779, MONDO:0007187.
PTCH1-related disorder. Also called: PTCH1-related disorders; PTCH1-related condition.

Allele frequency attached by ClinVar (database versions not stated): TOPMed 0.00002; gnomAD exomes below 0.00001 and 0.00001; ExAC 0.00001; gnomAD 0.00002.
gnomAD v4.1: 12 of 1,613,888 alleles (0.00074%); highest among the groups gnomAD compares: Admixed American, 0.0017%; no homozygotes.

Submissions (3):

Labcorp Genetics (formerly Invitae), Labcorp
Classification: Benign for Gorlin syndrome. Last evaluated: 2025-11-18. Review status: criteria provided, single submitter. Criteria: Invitae Variant Classification Sherloc (09022015). Collection method: clinical testing. Allele origin: germline.

PreventionGenetics, part of Exact Sciences
Classification: Uncertain significance for PTCH1-related condition. Last evaluated: 2025-03-09. Review status: criteria provided, single submitter. Criteria: ACMG Guidelines, 2015. Collection method: clinical testing. Allele origin: germline.
Comment: The PTCH1 c.2938G>A variant is predicted to result in the amino acid substitution p.Gly980Ser. To our knowledge, this variant has not been reported in the literature. This variant is reported in 0.0040% of alleles in individuals of African descent in gnomAD and has conflicting interpretations regarding its pathogenicity in ClinVar, ranging from likely benign to uncertain. At this time, the clinical significance of this variant is uncertain due to the absence of conclusive functional and genetic evidence.

Ambry Genetics
Classification: Uncertain significance for Hereditary cancer-predisposing syndrome. Last evaluated: 2023-11-16. Review status: criteria provided, single submitter. Criteria: Ambry Variant Classification Scheme 2023. Collection method: clinical testing. Allele origin: germline.
Comment: The p.G980S variant (also known as c.2938G>A), located in coding exon 18 of the PTCH1 gene, results from a G to A substitution at nucleotide position 2938. The glycine at codon 980 is replaced by serine, an amino acid with similar properties. This amino acid position is highly conserved in available vertebrate species. In addition, as a missense alteration, this is predicted to be deleterious by in silico analysis. In silico splice site analysis predicts that this alteration may result in the creation or strengthening of a novel splice acceptor site. RNA studies have demonstrated that this alteration results in an incomplete splice defect; the clinical impact of this abnormal splicing is unknown at this time (Ambry internal data). Since supporting evidence is limited at this time, the clinical significance of this alteration remains unclear.

NM_000264.5(PTCH1):c.2938G>A (p.Gly980Ser)

Gene: PTCH1 (patched 1; minus strand). Cytogenetic location: 9q22.32.
Variant type: single nucleotide variant.
Coding change: c.2938G>A on transcript NM_000264.5 (MANE Select); coding-DNA position 2938, G replaced by A.
Protein change: p.Gly980Ser; replaces glycine 980 with serine.
Molecular consequence: missense variant. On other transcripts: non-coding transcript variant (1).
Genome position (GRCh38, 1-based): chr9:95,458,243, C>T on the plus strand (G>A on the coding strand, the complement: PTCH1 is on the minus strand). VCF-style: chr9-95458243-C-T. GRCh37 (hg19) VCF-style: chr9-98220525-C-T.
Other names: c.2740G>A, p.Gly914Ser (NM_001083602.3); c.2935G>A, p.Gly979Ser (NM_001083603.3); c.2485G>A, p.Gly829Ser (NM_001083604.3, NM_001083605.3, NM_001083606.3 and 1 more transcripts); c.2782G>A, p.Gly928Ser (NM_001354918.2); short protein forms G928S, G914S, G980S, G829S, G979S.
Identifiers: ClinVar variation 648880 (VCV000648880.10), dbSNP rs778337760, ClinGen allele CA5138280.